The following is an entry in ClinVar:

ClinVar aggregate classification (germline): Uncertain significance (1 of 4 stars; one submission).

gnomAD v4.1: 19 of 1,613,958 alleles (0.0012%); highest among the groups gnomAD compares: East Asian, 0.0022%; no homozygotes.

Submission:

Labcorp Genetics (formerly Invitae), Labcorp
Classification: Uncertain significance. Last evaluated: 2024-02-20. Review status: criteria provided, single submitter. Criteria: Invitae Variant Classification Sherloc (09022015). Collection method: clinical testing. Allele origin: germline.
Comment: This sequence change replaces valine, which is neutral and non-polar, with isoleucine, which is neutral and non-polar, at codon 424 of the FOCAD protein (p.Val424Ile). This variant is not present in population databases (gnomAD no frequency). This variant has not been reported in the literature in individuals affected with FOCAD-related conditions. Experimental studies and prediction algorithms are not available or were not evaluated, and the functional significance of this variant is currently unknown. In summary, the available evidence is currently insufficient to determine the role of this variant in disease. Therefore, it has been classified as a Variant of Uncertain Significance.

NM_001375567.1(FOCAD):c.1270G>A (p.Val424Ile)

Gene: FOCAD (focadhesin; plus strand). Cytogenetic location: 9p21.3.
Variant type: single nucleotide variant.
Coding change: c.1270G>A on transcript NM_001375567.1 (MANE Select); coding-DNA position 1270, G replaced by A.
Protein change: p.Val424Ile; replaces valine 424 with isoleucine.
Molecular consequence: missense variant.
Genome position (GRCh38, 1-based): chr9:20,789,423, G>A. VCF-style: chr9-20789423-G-A. GRCh37 (hg19) VCF-style: chr9-20789422-G-A.
Other names: c.1270G>A, p.Val424Ile (NM_001375568.1, NM_017794.5); c.1165G>A, p.Val389Ile (NM_001375570.1); short protein forms V424I, V389I.
Identifiers: ClinVar variation 3642206 (VCV003642206.2).